The following is an entry in ClinVar:

ClinVar aggregate classification (germline): Uncertain significance (1 of 4 stars; one submission).

Conditions:
Retinoblastoma (RB1). Also called: RETINOBLASTOMA, SOMATIC. Identifiers: Orphanet 790, MedGen C0035335, MeSH D012175, MONDO:0008380, OMIM 180200, HP:0009919. Disease mechanism: loss of function. Inheritance: Both sporadic and heritable forms are tested..

Submission:

Labcorp Genetics (formerly Invitae), Labcorp
Classification: Uncertain significance for Retinoblastoma. Last evaluated: 2019-12-11. Review status: criteria provided, single submitter. Criteria: Invitae Variant Classification Sherloc (09022015). Collection method: clinical testing. Allele origin: germline.
Comment: This variant has not been reported in the literature in individuals with RB1-related conditions. Experimental studies and prediction algorithms are not available or were not evaluated, and the functional significance of this variant is currently unknown. In summary, the available evidence is currently insufficient to determine the role of this variant in disease. Therefore, it has been classified as a Variant of Uncertain Significance. The frequency data for this variant in the population databases is considered unreliable, as metrics indicate insufficient coverage at this position in the ExAC database. This variant, c.51_53del, results in the deletion of 1 amino acid(s) of the RB1 protein (p.Ala18del), but otherwise preserves the integrity of the reading frame.

NM_000321.3(RB1):c.48CGC[1] (p.Ala18del)

Gene: RB1 (RB transcriptional corepressor 1; plus strand). Cytogenetic location: 13q14.2.
Variant type: Microsatellite.
Coding change: c.48CGC[1] on transcript NM_000321.3 (MANE Select); one copy of the 3-base unit CGC starting at c.48; the reference has two copies in a row; one copy, 3 bases deleted.
Protein change: p.Ala18del; deletes alanine 18.
Molecular consequence: inframe deletion.
Genome position (GRCh38, 1-based): chr13:48,303,963-48,303,965, CGC deleted; deleting any 3 consecutive bases within chr13:48,303,958-48,303,965 gives the same sequence; the position shown is the placement nearest the transcript's 3' end. VCF-style (leftmost placement, unchanged base first): chr13-48303957-TGCC-T. GRCh37 (hg19) VCF-style: chr13-48878093-TGCC-T.
Other names: short protein forms A18del.
Identifiers: ClinVar variation 847451 (VCV000847451.11), dbSNP rs1952052800, ClinGen allele CA916081686.